The following is an entry in ClinVar:

ClinVar aggregate classification (germline): Uncertain significance (1 of 4 stars; one submission).

Conditions:
Cardiovascular phenotype. Identifiers: MedGen CN230736.

Submission:

Ambry Genetics
Classification: Uncertain significance for Cardiovascular phenotype. Last evaluated: 2020-02-11. Review status: criteria provided, single submitter. Criteria: Ambry Variant Classification Scheme 2023. Collection method: clinical testing. Allele origin: germline.
Comment: The p.E1350G variant (also known as c.4049A>G), located in coding exon 28 of the MYH7 gene, results from an A to G substitution at nucleotide position 4049. The glutamic acid at codon 1350 is replaced by glycine, an amino acid with similar properties. A different variant affecting this codon has been detected in various cardiomyopathy cohorts; however, details were limited (Miller EM et al. J Genet Couns, 2013 Apr;22:258-67; Walsh R et al. Genet. Med., 2017 02;19:192-203; Bainbridge MN et al. Circ Cardiovasc Genet, 2015 Aug;8:544-52). This amino acid position is highly conserved in available vertebrate species. In addition, this alteration is predicted to be deleterious by in silico analysis. Since supporting evidence is limited at this time, the clinical significance of this alteration remains unclear.

Literature cited by the submitters: PubMed 20530761; PubMed 23054336; PubMed 26025024; PubMed 27532257.

NM_000257.4(MYH7):c.4049A>G (p.Glu1350Gly)

Gene: MYH7 (myosin heavy chain 7; minus strand). Cytogenetic location: 14q11.2.
Variant type: single nucleotide variant.
Coding change: c.4049A>G on transcript NM_000257.4 (MANE Select); coding-DNA position 4049, A replaced by G.
Protein change: p.Glu1350Gly; replaces glutamic acid 1350 with glycine.
Molecular consequence: missense variant.
Genome position (GRCh38, 1-based): chr14:23,418,330, T>C on the plus strand (A>G on the coding strand, the complement: MYH7 is on the minus strand). VCF-style: chr14-23418330-T-C. GRCh37 (hg19) VCF-style: chr14-23887539-T-C.
Other names: c.4049A>G, p.Glu1350Gly (NM_001407004.1); short protein forms E1350G.
Identifiers: ClinVar variation 1737334 (VCV001737334.2), dbSNP rs2502256436, ClinGen allele CA389041105.